The following is an entry in ClinVar:

ClinVar aggregate classification (germline): Likely pathogenic (1 of 4 stars; one submission).

Conditions:
Short stature and advanced bone age, with or without early-onset osteoarthritis and/or osteochondritis dissecans (SSOAOD). Identifiers: Orphanet 251262, MedGen C3665488, MONDO:0100462, OMIM 165800.

Submission:

3billion
Classification: Likely pathogenic for Short stature and advanced bone age, with or without early-onset osteoarthritis and/or osteochondritis dissecans. Last evaluated: 2024-02-23. Review status: criteria provided, single submitter. Criteria: ACMG Guidelines, 2015. Collection method: clinical testing. Allele origin: germline. Affected: yes.
Comment: The variant is not observed in the gnomAD v2.1.1 dataset. Predicted Consequence/Location: Frameshift: predicted to result in a loss or disruption of normal protein function through nonsense-mediated decay (NMD) or protein truncation. Multiple pathogenic variants are reported downstream of the variant. Therefore, this variant is classified as Likely pathogenic according to the recommendation of ACMG/AMP guideline.

NM_001369268.1(ACAN):c.1537del (p.Leu513fs)

Gene: ACAN (aggrecan; plus strand). Cytogenetic location: 15q26.1.
Variant type: Deletion.
Coding change: c.1537del on transcript NM_001369268.1 (MANE Select); coding-DNA position 1537, one base deleted (C; older notation c.1537delC).
Protein change: p.Leu513fs; shifts the reading frame from leucine 513.
Molecular consequence: frameshift variant.
Genome position (GRCh38, 1-based): chr15:88,847,350, C deleted. VCF-style (leftmost placement, unchanged base first): chr15-88847349-GC-G. GRCh37 (hg19) VCF-style: chr15-89390580-GC-G.
Other names: c.1537del, p.Leu513fs (NM_001135.4, NM_001411096.1, NM_001411097.1 and 1 more transcripts); short protein forms L513fs.
Identifiers: ClinVar variation 3775894 (VCV003775894.1).